The following is an entry in ClinVar:

NM_020822.3(KCNT1):c.2120G>A (p.Arg707Gln)

Gene: KCNT1 (potassium sodium-activated channel subfamily T member 1; plus strand). Cytogenetic location: 9q34.3.
Variant type: single nucleotide variant.
Coding change: c.2120G>A on transcript NM_020822.3 (MANE Select); coding-DNA position 2120, G replaced by A.
Protein change: p.Arg707Gln; replaces arginine 707 with glutamine.
Molecular consequence: missense variant.
Genome position (GRCh38, 1-based): chr9:135,772,826, G>A. VCF-style: chr9-135772826-G-A. GRCh37 (hg19) VCF-style: chr9-138664672-G-A.
Other names: c.1985G>A, p.Arg662Gln (NM_001272003.2); short protein forms R662Q, R707Q.
Identifiers: ClinVar variation 1014886 (VCV001014886.10), dbSNP rs1407599692, ClinGen allele CA375510668.
Genomic context (GRCh38, chr9:135,772,826, plus strand): 5'-GCGGTGGGGGCGGGGGCAGCAAGCTGGCACTGCCCACGGAGAACGGCTCGGGCAGCCGGC[G>A]GCCCAGCATCGCGCCCGTCCTGGAACTGGCCGACAGCTCAGCCCTGCTGCCCTGCGACCT-3'
Protein context (NP_065873.2, residues 697-717): LPTENGSGSR[Arg707Gln]PSIAPVLELA

ClinVar aggregate classification (germline): Uncertain significance. Review status: criteria provided, multiple submitters, no conflicts (2 of 4 stars). 2 submissions from 2 submitters: Uncertain significance (2). Last evaluated 2026-01-09.

Conditions:
Autosomal dominant nocturnal frontal lobe epilepsy 5. Also called: KCNT1-Related Epilepsy; CILIARY DYSKINESIA, PRIMARY, 28, WITHOUT SITUS INVERSUS; CILIARY DYSKINESIA, PRIMARY, 28, WITH SITUS INVERSUS; Epilepsy, nocturnal frontal lobe, 5. Identifiers: Orphanet 98784, MedGen C3554306, MONDO:0014002, OMIM 615005.
Developmental and epileptic encephalopathy, 14 (DEE14). Also called: Early infantile epileptic encephalopathy 14. Identifiers: Orphanet 293181, MedGen C3554195, MONDO:0013989, OMIM 614959.

Allele frequency attached by ClinVar (database versions not stated): gnomAD exomes 0.00001; TOPMed 0.00002.
gnomAD v4.1: 16 of 1,527,210 alleles (0.001%); highest among the groups gnomAD compares: African/African-American, 0.0014%; no homozygotes.

Submissions (2):

Labcorp Genetics (formerly Invitae), Labcorp
Classification: Uncertain significance for Autosomal dominant nocturnal frontal lobe epilepsy 5; Developmental and epileptic encephalopathy, 14. Last evaluated: 2026-01-09. Review status: criteria provided, single submitter. Criteria: Invitae Variant Classification Sherloc (09022015). Collection method: clinical testing. Allele origin: germline.
Comment: This sequence change replaces arginine, which is basic and polar, with glutamine, which is neutral and polar, at codon 707 of the KCNT1 protein (p.Arg707Gln). This variant is present in population databases (no rsID available, gnomAD 0.03%). This variant has not been reported in the literature in individuals affected with KCNT1-related conditions. ClinVar contains an entry for this variant (Variation ID: 1014886). Invitae Evidence Modeling of protein sequence and biophysical properties (such as structural, functional, and spatial information, amino acid conservation, physicochemical variation, residue mobility, and thermodynamic stability) indicates that this missense variant is not expected to disrupt KCNT1 protein function with a negative predictive value of 80%. In summary, the available evidence is currently insufficient to determine the role of this variant in disease. Therefore, it has been classified as a Variant of Uncertain Significance.

Genetics and Genomic Medicine Centre, NeuroGen Healthcare, NeuroGen Healthcare
Classification: Uncertain significance for Developmental and epileptic encephalopathy, 14. Last evaluated: 2025-12-28. Review status: criteria provided, single submitter. Criteria: ACMG Guidelines, 2015. Collection method: clinical testing. Allele origin: unknown. Affected: yes.